The following is an entry in ClinVar:

NM_001367498.1(CNTNAP5):c.618C>T (p.Ser206=)

Gene: CNTNAP5 (contactin associated protein family member 5; plus strand). Cytogenetic location: 2q14.3.
Variant type: single nucleotide variant.
Coding change: c.618C>T on transcript NM_001367498.1 (MANE Select); coding-DNA position 618, C replaced by T.
Protein change: p.Ser206=; no amino-acid change (serine 206 retained).
Molecular consequence: synonymous variant.
Genome position (GRCh38, 1-based): chr2:124,434,572, C>T. VCF-style: chr2-124434572-C-T. GRCh37 (hg19) VCF-style: chr2-125192149-C-T.
Other names: c.618C>T, p.Ser206= (NM_130773.4).
Identifiers: ClinVar variation 3039860 (VCV003039860.2), dbSNP rs367708864, ClinGen allele CA1855634.

ClinVar aggregate classification (germline): Likely benign (0 of 4 stars; one submission).

Conditions:
CNTNAP5-related disorder. Also called: CNTNAP5-related condition.

Allele frequency attached by ClinVar (database versions not stated): gnomAD exomes 0.00001; ExAC 0.00002; gnomAD 0.00003; TOPMed 0.00003.
gnomAD v4.1: 25 of 1,613,822 alleles (0.0015%); highest among the groups gnomAD compares: Middle Eastern, 0.016%; no homozygotes.

Submission:

PreventionGenetics, part of Exact Sciences
Classification: Likely benign for CNTNAP5-related condition. Last evaluated: 2019-09-13. Review status: no assertion criteria provided. Collection method: clinical testing. Allele origin: germline.
Comment: This variant is classified as likely benign based on ACMG/AMP sequence variant interpretation guidelines (Richards et al. 2015 PMID: 25741868, with internal and published modifications).